The following is an entry in ClinVar:

NM_000110.4(DPYD):c.1243G>T (p.Glu415Ter)

Gene: DPYD (dihydropyrimidine dehydrogenase; minus strand). Cytogenetic location: 1p21.3.
Variant type: single nucleotide variant.
Coding change: c.1243G>T on transcript NM_000110.4 (MANE Select); coding-DNA position 1243, G replaced by T.
Protein change: p.Glu415Ter; replaces glutamic acid 415 with a stop codon.
Molecular consequence: nonsense.
Genome position (GRCh38, 1-based): chr1:97,573,856, C>A on the plus strand (G>T on the coding strand, the complement: DPYD is on the minus strand). VCF-style: chr1-97573856-C-A. GRCh37 (hg19) VCF-style: chr1-98039412-C-A.
Other names: short protein forms E415*.
Identifiers: ClinVar variation 489080 (VCV000489080.3), dbSNP rs755031341, ClinGen allele CA963402.
Genomic context (GRCh38, chr1:97,573,856, plus strand): 5'-TGACCACATCGGCTTTCAGATGGACCATCTGATCTTCATCTTCATTCCATTTTCCAGTTT[C>A]ATCTTGCTCTGTCCGAACAAACTGCATAGCAACAATTCTCCCACCTTTTACTATAACCTT-3'

ClinVar aggregate classification (germline): Likely pathogenic. Review status: criteria provided, multiple submitters, no conflicts (2 of 4 stars). 2 submissions from 2 submitters: Likely pathogenic (2). Last evaluated 2023-07-07.

Conditions:
Dihydropyrimidine dehydrogenase deficiency (DPYDD). Also called: Hereditary Thymine-Uraciluria; DPD DEFICIENCY; DPYD DEFICIENCY. Identifiers: Orphanet 1675, MedGen C1959620, MONDO:0010130, OMIM 274270.

Allele frequency attached by ClinVar (database versions not stated): gnomAD exomes below 0.00001; TOPMed below 0.00001; ExAC 0.00001.
gnomAD v4.1: 1 of 1,613,728 alleles (0.000062%); highest among the groups gnomAD compares: East Asian, 0.0022%; no homozygotes.

Submissions (2):

Baylor Genetics
Classification: Likely pathogenic for Dihydropyrimidine dehydrogenase deficiency. Last evaluated: 2023-07-07. Review status: criteria provided, single submitter. Criteria: ACMG Guidelines, 2015. Collection method: clinical testing. Allele origin: unknown.

GeneDx
Classification: Likely pathogenic. Last evaluated: 2017-11-07. Review status: criteria provided, single submitter. Criteria: GeneDx Variant Classification (06012015). Collection method: clinical testing. Allele origin: germline. Affected: yes.
Comment: The E415X variant in the DPYD gene has not been reported previously as a pathogenic variant nor as a benign variant, to our knowledge. This variant is predicted to cause loss of normal protein function either through protein truncation or nonsense-mediated mRNA decay. The E415X variant is not observed at a significant frequency in large population cohorts (Lek et al., 2016). We interpret E415X as a likely pathogenic variant.